The following is an entry in ClinVar:

NM_004186.5(SEMA3F):c.661G>A (p.Gly221Ser)

Gene: SEMA3F (semaphorin 3F; plus strand). Cytogenetic location: 3p21.31.
Variant type: single nucleotide variant.
Coding change: c.661G>A on transcript NM_004186.5 (MANE Select); coding-DNA position 661, G replaced by A.
Protein change: p.Gly221Ser; replaces glycine 221 with serine.
Molecular consequence: missense variant.
Genome position (GRCh38, 1-based): chr3:50,182,301, G>A. VCF-style: chr3-50182301-G-A. GRCh37 (hg19) VCF-style: chr3-50219734-G-A.
Other names: c.364G>A, p.Gly122Ser (NM_001318798.2); c.568G>A, p.Gly190Ser (NM_001318800.2); short protein forms G190S, G221S, G122S.
Identifiers: ClinVar variation 4996895 (VCV004996895.1).

ClinVar aggregate classification (germline): Uncertain significance (1 of 4 stars; one submission).

Conditions:
SEMA3F-related disorder. Also called: SEMA3F-related condition.

gnomAD v4.1: 1 of 1,614,084 alleles (0.000062%); highest among the groups gnomAD compares: South Asian, 0.0011%; no homozygotes.

Submission:

PreventionGenetics, part of Exact Sciences
Classification: Uncertain significance for SEMA3F-related condition. Last evaluated: 2024-10-10. Review status: criteria provided, single submitter. Criteria: ACMG Guidelines, 2015. Collection method: clinical testing. Allele origin: germline.
Comment: The SEMA3F c.661G>A variant is predicted to result in the amino acid substitution p.Gly221Ser. To our knowledge, this variant has not been reported in the literature or in a large population database (gnomAD), indicating this variant is rare. At this time, the clinical significance of this variant is uncertain due to the absence of conclusive functional and genetic evidence.